The following is an entry in ClinVar:

ClinVar aggregate classification (germline): Likely benign (1 of 4 stars; one submission).

Submission:

CeGaT Center for Human Genetics Tuebingen
Classification: Likely benign. Last evaluated: 2024-10-01. Review status: criteria provided, single submitter. Criteria: CeGaT Center For Human Genetics Tuebingen Variant Classification Criteria Version 2. Collection method: clinical testing. Allele origin: germline. Affected: yes. Observed: 1 variant allele.
Comment: TSKS: PM2:Supporting, BP4, BP7

NM_021733.2(TSKS):c.726G>A (p.Glu242=)

Gene: TSKS (testis specific serine kinase substrate; minus strand). Cytogenetic location: 19q13.33.
Variant type: single nucleotide variant.
Coding change: c.726G>A on transcript NM_021733.2 (MANE Select); coding-DNA position 726, G replaced by A.
Protein change: p.Glu242=; no amino-acid change (glutamic acid 242 retained).
Molecular consequence: synonymous variant.
Genome position (GRCh38, 1-based): chr19:49,746,736, C>T on the plus strand (G>A on the coding strand, the complement: TSKS is on the minus strand). VCF-style: chr19-49746736-C-T. GRCh37 (hg19) VCF-style: chr19-50249993-C-T.
Identifiers: ClinVar variation 3389404 (VCV003389404.14).